The following is an entry in ClinVar:

ClinVar aggregate classification (germline): Pathogenic/Likely pathogenic. Review status: criteria provided, multiple submitters, no conflicts (2 of 4 stars). 8 submissions from 8 submitters: Pathogenic (6); Likely pathogenic (1). 1 of the submissions does not count toward it. Last evaluated 2026-06-15.

Conditions:
D2HGDH-related disorders.
D-2-hydroxyglutaric aciduria 1 (D2HGA1). Identifiers: Orphanet 79315, MedGen C3152055, MONDO:0024554, OMIM 600721.

Allele frequency attached by ClinVar (database versions not stated): gnomAD exomes 0.00001 and 0.00002; ExAC 0.00003; gnomAD 0.00009 and 0.00011; TOPMed 0.00017.
gnomAD v4.1: 31 of 1,614,108 alleles (0.0019%); highest among the groups gnomAD compares: African/African-American, 0.028%; no homozygotes.

Submissions (8):

GeneDx
Classification: Likely pathogenic. Last evaluated: 2026-06-15. Review status: criteria provided, single submitter. Criteria: GeneDx Variant Classification Process June 2021. Collection method: clinical testing. Allele origin: germline.
Comment: Has been reported homozygous in two young siblings with significantly elevated D-2-HG excretion; functional studies in patient cells supported that this variant results in nonsense mediated decay (PMID: 16037974); Canonical splice site variant predicted to result in a null allele in a gene for which loss of function is a known mechanism of disease; This variant is associated with the following publications: (PMID: 25525159, 16037974, 33728243)

Dasa
Classification: Pathogenic. Last evaluated: 2025-12-05. Review status: criteria provided, single submitter. Criteria: DASA Assertion Criteria. Collection method: clinical testing. Allele origin: germline.
Comment: NM_152783.5(D2HGDH):c.685-2A>G affects a canonical splice site and is predicted to disrupt normal RNA splicing, leading to loss of normal protein function. Loss-of-function is an established mechanism of disease for this gene. This variant has been recurrently observed in individuals with related phenotype (PMID: 16037974; PMID: 33728243). Segregation evidence has been reported in affected families. The variant is present at low frequency in population datasets. Based on the available data, this variant is classified as pathogenic.

Labcorp Genetics (formerly Invitae), Labcorp
Classification: Pathogenic for D-2-hydroxyglutaric aciduria 1. Last evaluated: 2025-05-11. Review status: criteria provided, single submitter. Criteria: Invitae Variant Classification Sherloc (09022015). Collection method: clinical testing. Allele origin: germline.
Comment: This sequence change affects an acceptor splice site in intron 5 of the D2HGDH gene. It is expected to disrupt RNA splicing. Variants that disrupt the donor or acceptor splice site typically lead to a loss of protein function (PMID: 16199547), and loss-of-function variants in D2HGDH are known to be pathogenic (PMID: 16081310, 20020533, 21384162). This variant is present in population databases (rs753528947, gnomAD 0.03%). Disruption of this splice site has been observed in individual(s) with mild D-2-hydroxyglutaric aciduria (PMID: 16037974). It has also been observed to segregate with disease in related individuals. This variant is also known as IVS4-2A>G. ClinVar contains an entry for this variant (Variation ID: 1855). Algorithms developed to predict the effect of sequence changes on RNA splicing suggest that this variant may disrupt the consensus splice site. For these reasons, this variant has been classified as Pathogenic.

Blueprint Genetics
Classification: Pathogenic for D2HGDH-related disorders. Last evaluated: 2023-02-17. Review status: criteria provided, single submitter. Criteria: ACMG Guidelines, 2015. Collection method: clinical testing. Allele origin: germline. Affected: yes. Observed: 2 variant alleles.

Fulgent Genetics
Classification: Pathogenic for D-2-hydroxyglutaric aciduria 1. Last evaluated: 2022-02-25. Review status: criteria provided, single submitter. Criteria: ACMG Guidelines, 2015. Collection method: clinical testing. Allele origin: unknown.

Women's Health and Genetics/Laboratory Corporation of America, LabCorp
Classification: Pathogenic for D-2-hydroxyglutaric aciduria 1. Last evaluated: 2020-11-05. Review status: criteria provided, single submitter. Criteria: LabCorp Variant Classification Summary - May 2015. Collection method: clinical testing. Allele origin: germline.
Comment: Variant summary: D2HGDH c.685-2A>G is located in a canonical splice-site and is predicted to affect mRNA splicing resulting in a significantly altered protein due to either exon skipping, shortening, or inclusion of intronic material. Several computational tools predict a significant impact on normal splicing: Four predict the variant abolishes a canonical 3' acceptor site and creates a new 3 acceptor site. At least one publication reports experimental evidence that this variant affects mRNA splicing (e.g. Struys_2005). The variant allele was found at a frequency of 2.4e-05 in 251668 control chromosomes (gnomAD and publication data). c.685-2A>G has been reported in the literature in a homozygous state in two siblings affected with a mild form of D-2 Hydroxyglutaric Aciduria 1 (seemingly reported with incorrect nomenclature as c.687-2A>G, IVS4-2A>G). Although asymptomatic, these individuals exhibited dramtically elevated levels of D-2-hydroxyglutarate in body fluids (Struys_2005). These data indicate that the variant is likely to be associated with a mild form of disease. One ClinVar submitter (evaluation after 2014) cites the variant as pathogenic. Based on the evidence outlined above, the variant was classified as pathogenic.

Baylor Genetics
Classification: Pathogenic for D-2-hydroxyglutaric aciduria 1. Last evaluated: 2018-05-15. Review status: criteria provided, single submitter. Criteria: ACMG Guidelines, 2015. Collection method: clinical testing. Allele origin: unknown. Affected: yes.
Comment: This variant was determined to be pathogenic according to ACMG Guidelines, 2015 [PMID:25741868]. This variant has been previously reported two clinically unaffected siblings with D-2- hydroxyglutaric aciduria [PMID 16037974]

OMIM
Classification: Pathogenic for D-2-HYDROXYGLUTARIC ACIDURIA 1. Last evaluated: 2005-10-01. Review status: no assertion criteria provided. Collection method: literature only. Allele origin: germline. Not counted in ClinVar's aggregate classification.

Literature cited by the submitters: PubMed 16037974 (cited by 5 submitters); PubMed 33728243 (cited by Dasa); PubMed 16199547 (cited by Labcorp Genetics (formerly Invitae), Labcorp); PubMed 16081310 (cited by Labcorp Genetics (formerly Invitae), Labcorp); PubMed 20020533 (cited by Labcorp Genetics (formerly Invitae), Labcorp); PubMed 21384162 (cited by Labcorp Genetics (formerly Invitae), Labcorp); PubMed 22391998 (cited by Women's Health and Genetics/Laboratory Corporation of America, LabCorp).

NM_152783.5(D2HGDH):c.685-2A>G

Gene: D2HGDH (D-2-hydroxyglutarate dehydrogenase; plus strand). Cytogenetic location: 2q37.3.
Variant type: single nucleotide variant.
Coding change: c.685-2A>G on transcript NM_152783.5 (MANE Select); the canonical splice acceptor site of the intron before coding-DNA position 685, A replaced by G.
Molecular consequence: splice acceptor variant.
Genome position (GRCh38, 1-based): chr2:241,744,707, A>G. VCF-style: chr2-241744707-A-G. GRCh37 (hg19) VCF-style: chr2-242684122-A-G.
Other names: D2HGDH, IVS4AS, A-G, -2; IVS4AS, A-G, -2; c.124-2A>G (NM_001352824.2); c.283-2A>G (NM_001287249.2).
Identifiers: ClinVar variation 1855 (VCV000001855.17), dbSNP rs753528947, ClinGen allele CA2221747.